The following is an entry in ClinVar:

NM_000352.6(ABCC8):c.4090G>A (p.Val1364Ile)

Gene: ABCC8 (ATP binding cassette subfamily C member 8; minus strand). Cytogenetic location: 11p15.1.
Variant type: single nucleotide variant.
Coding change: c.4090G>A on transcript NM_000352.6 (MANE Select); coding-DNA position 4090, G replaced by A.
Protein change: p.Val1364Ile; replaces valine 1364 with isoleucine.
Molecular consequence: missense variant. On other transcripts: non-coding transcript variant (1).
Genome position (GRCh38, 1-based): chr11:17,396,945, C>T on the plus strand (G>A on the coding strand, the complement: ABCC8 is on the minus strand). VCF-style: chr11-17396945-C-T. GRCh37 (hg19) VCF-style: chr11-17418492-C-T.
Other names: c.4093G>A, p.Val1365Ile (NM_001287174.3); c.4156G>A, p.Val1386Ile (NM_001351295.2); c.4090G>A, p.Val1364Ile (NM_001351296.2); c.4087G>A, p.Val1363Ile (NM_001351297.2); short protein forms V1364I, V1365I, V1363I, V1386I.
Identifiers: ClinVar variation 303754 (VCV000303754.23), dbSNP rs138642224, ClinGen allele CA5902586.
Genomic context (GRCh38, chr11:17,396,945, plus strand): 5'-CTGCAGCATTGGGTTGGGCCCGTGCTCTGACCTTCTGTCCAGGGGCGATGAGGGCATTGA[C>T]GTGCTTCAGCACCGGCTTCAGGGAGCTGTCGTAGCGCACGCTCAGGTTCTGGATCTGGAT-3'
Protein context (NP_000343.2, residues 1354-1374): DSSLKPVLKH[Val1364Ile]NALIAPGQKI

ClinVar aggregate classification (germline): Conflicting classifications of pathogenicity. Review status: criteria provided, conflicting classifications (1 of 4 stars). 11 submissions from 9 submitters: Uncertain significance (6); Benign (1); Likely benign (2). 2 of the submissions do not count toward it. Last evaluated 2026-05-19.

Conditions:
Hereditary hyperinsulinism.
ABCC8-related disorder.
Permanent neonatal diabetes mellitus (PNDM). Identifiers: Orphanet 99885, MedGen C1833104, MONDO:0100164, MONDO:0011643. Disease mechanism: gain of function.
Diabetes mellitus, permanent neonatal 3. Also called: ABCC8-Related Permanent Neonatal Diabetes Mellitus. Identifiers: MedGen C5394303, MONDO:0030088, OMIM 618857.
Leucine-induced hypoglycemia (LIH). Also called: LEUCINE-SENSITIVE HYPOGLYCEMIA OF INFANCY. Identifiers: MedGen C0271714, MONDO:0009415, OMIM 240800.
Diabetes mellitus, transient neonatal, 2 (TNDM2). Identifiers: Orphanet 99886, MedGen C1835887, MONDO:0012480, OMIM 610374. Disease mechanism: loss of function.
Hyperinsulinemic hypoglycemia, familial, 1 (HHF1). Also called: Persistent hyperinsulinemic hypoglycemia of infancy; NESIDIOBLASTOSIS OF PANCREAS; Persistent Hyperinsulinemia Hypoglycemia of Infancy; HYPERINSULINISM, FAMILIAL, WITH PANCREATIC NESIDIOBLASTOSIS; HYPOGLYCEMIA, HYPERINSULINEMIC, OF INFANCY. Identifiers: Orphanet 276575, Orphanet 276598, MedGen C2931832, MONDO:0009734, OMIM 256450.
Type 2 diabetes mellitus. Also called: Type II diabetes mellitus. Identifiers: MedGen C0011860, MeSH D003924, MONDO:0005148, OMIM 125853, HP:0005978.

Allele frequency attached by ClinVar (database versions not stated): 1000 Genomes Project 0.00040; 1000 Genomes Project 30x 0.00047; TOPMed 0.00051; ESP Exome Variant Server 0.00077.
gnomAD v4.1: 161 of 1,614,194 alleles (0.01%); highest among the groups gnomAD compares: African/African-American, 0.16%; no homozygotes.

Submissions (11):

GeneDx
Classification: Uncertain significance. Last evaluated: 2026-05-19. Review status: criteria provided, single submitter. Criteria: GeneDx Variant Classification Process June 2021. Collection method: clinical testing. Allele origin: germline.
Comment: In silico analysis suggests that this missense variant does not alter protein structure/function; Has not been previously published as pathogenic or benign to our knowledge

Women's Health and Genetics/Laboratory Corporation of America, LabCorp
Classification: Uncertain significance. Last evaluated: 2026-03-23. Review status: criteria provided, single submitter. Criteria: LabCorp Variant Classification Summary - May 2015. Collection method: clinical testing. Allele origin: germline.
Comment: Variant summary: ABCC8 c.4090G>A (p.Val1364Ile) results in a conservative amino acid change located in the ABC transporter-like, ATP-binding domain (IPR003439) of the encoded protein sequence. Algorithms developed to predict the effect of missense changes on protein structure and function are either unavailable or do not agree on the potential impact of this missense change. The variant allele was found at a frequency of 0.00014 in 251386 control chromosomes. This frequency is not significantly higher than estimated for disease-causing variants in ABCC8, allowing no conclusion about variant significance. To our knowledge, no occurrence of c.4090G>A in individuals affected with ABCC8-related conditions and no experimental evidence demonstrating its impact on protein function have been reported. ClinVar contains an entry for this variant (Variation ID: 303754). Based on the evidence outlined above, the variant was classified as uncertain significance.

Labcorp Genetics (formerly Invitae), Labcorp
Classification: Likely benign. Last evaluated: 2026-01-28. Review status: criteria provided, single submitter. Criteria: Invitae Variant Classification Sherloc (09022015). Collection method: clinical testing. Allele origin: germline.

Fulgent Genetics
Classification: Likely benign for Type 2 diabetes mellitus; Leucine-induced hypoglycemia; Hyperinsulinemic hypoglycemia, familial, 1; Diabetes mellitus, transient neonatal, 2; Diabetes mellitus, permanent neonatal 3. Last evaluated: 2024-04-08. Review status: criteria provided, single submitter. Criteria: ACMG Guidelines, 2015. Collection method: clinical testing. Allele origin: germline.

Genetic Services Laboratory, University of Chicago
Classification: Uncertain significance. Last evaluated: 2021-02-03. Review status: criteria provided, single submitter. Criteria: ACMG Guidelines, 2015. Collection method: clinical testing. Allele origin: germline. Affected: no.
Comment: This sequence change does not appear to have been previously described in patients with ABCC8-related disorders and has been described in the gnomAD database with a population frequency of 0.14% in African subpopulations (dbSNP rs138642224). The p.Val1364Ile change affects a highly conserved amino acid residue located in a domain of the ABCC8 protein that is known to be functional. The p.Val1364Ile substitution appears to be possibly benign using several in-silico pathogenicity prediction tools (SIFT, PolyPhen2, Align GVGD, REVEL). Due to these contrasting evidences and the lack of functional studies, the clinical significance of the p.Val1364Ile change remains unknown at this time.

Athena Diagnostics
Classification: Uncertain significance. Last evaluated: 2019-09-30. Review status: criteria provided, single submitter. Criteria: Athena Diagnostics Criteria. Collection method: clinical testing. Allele origin: unknown.

Illumina Laboratory Services, Illumina
Classification: Uncertain significance for Permanent neonatal diabetes mellitus 1. Last evaluated: 2018-01-12. Review status: criteria provided, single submitter. Criteria: ICSL Variant Classification Criteria 13 December 2019. Collection method: clinical testing. Allele origin: germline.

Illumina Laboratory Services, Illumina
Classification: Uncertain significance for Hyperinsulinemic hypoglycemia, familial, 1. Last evaluated: 2018-01-12. Review status: criteria provided, single submitter. Criteria: ICSL Variant Classification Criteria 13 December 2019. Collection method: clinical testing. Allele origin: germline.

Illumina Laboratory Services, Illumina
Classification: Benign for Diabetes mellitus, transient neonatal, 2. Last evaluated: 2018-01-12. Review status: criteria provided, single submitter. Criteria: ICSL Variant Classification Criteria 13 December 2019. Collection method: clinical testing. Allele origin: germline.
Comment: This variant was observed in the ICSL laboratory as part of a predisposition screen in an ostensibly healthy population. It had not been previously curated by ICSL or reported in the Human Gene Mutation Database (HGMD: prior to June 1st, 2018), and was therefore a candidate for classification through an automated scoring system. Utilizing variant allele frequency, disease prevalence and penetrance estimates, and inheritance mode, an automated score was calculated to assess if this variant is too frequent to cause the disease. Based on the score and internal cut-off values, a variant classified as benign is not then subjected to further curation. The score for this variant resulted in a classification of benign for this disease.

PreventionGenetics, part of Exact Sciences
Classification: Uncertain significance for ABCC8-related condition. Last evaluated: 2024-06-10. Review status: no assertion criteria provided. Collection method: clinical testing. Allele origin: germline. Not counted in ClinVar's aggregate classification.
Comment: The ABCC8 c.4090G>A variant is predicted to result in the amino acid substitution p.Val1364Ile. To our knowledge, this variant has not been reported in the literature. This variant is reported in 0.14% of alleles in individuals of African descent in gnomAD. Although we suspect that this variant may be benign, at this time, the clinical significance of this variant is uncertain due to the absence of conclusive functional and genetic evidence.

Natera, Inc.
Classification: Uncertain significance for Hereditary hyperinsulinism. Last evaluated: 2019-11-11. Review status: no assertion criteria provided. Collection method: clinical testing. Allele origin: germline. Not counted in ClinVar's aggregate classification.